The following is an entry in ClinVar:

ClinVar aggregate classification (germline): Uncertain significance (1 of 4 stars; one submission).

gnomAD v4.1: 2 of 1,613,708 alleles (0.00012%); highest among the groups gnomAD compares: South Asian, 0.0022%; no homozygotes.

Submission:

Labcorp Genetics (formerly Invitae), Labcorp
Classification: Uncertain significance. Last evaluated: 2024-05-20. Review status: criteria provided, single submitter. Criteria: Invitae Variant Classification Sherloc (09022015). Collection method: clinical testing. Allele origin: germline.
Comment: This sequence change falls in intron 1 of the ARL2BP gene. It does not directly change the encoded amino acid sequence of the ARL2BP protein. This variant is not present in population databases (gnomAD no frequency). This variant has been observed in individuals with clinical features of retinitis pigmentosa (Invitae). Algorithms developed to predict the effect of sequence changes on RNA splicing suggest that this variant may disrupt the consensus splice site. In summary, the available evidence is currently insufficient to determine the role of this variant in disease. Therefore, it has been classified as a Variant of Uncertain Significance.

NM_012106.4(ARL2BP):c.39-10T>A

Gene: ARL2BP (ARF like GTPase 2 binding protein; plus strand). Cytogenetic location: 16q13.
Variant type: single nucleotide variant.
Coding change: c.39-10T>A on transcript NM_012106.4 (MANE Select); 10 bases into the intron before coding-DNA position 39, T replaced by A.
Molecular consequence: intron variant.
Genome position (GRCh38, 1-based): chr16:57,246,070, T>A. VCF-style: chr16-57246070-T-A. GRCh37 (hg19) VCF-style: chr16-57279982-T-A.
Identifiers: ClinVar variation 3624051 (VCV003624051.2).